The following is an entry in ClinVar:

ClinVar aggregate classification (germline): Uncertain significance (1 of 4 stars; one submission).

Conditions:
Pitt-Hopkins-like syndrome 2 (PTHSL2). Identifiers: Orphanet 221150, Orphanet 600663, MedGen C3280479, MONDO:0013690, OMIM 614325.

Allele frequency attached by ClinVar (database versions not stated): gnomAD exomes below 0.00001.
gnomAD v4.1: 1 of 1,612,790 alleles (0.000062%); highest among the groups gnomAD compares: African/African-American, 0.0013%; no homozygotes.

Submission:

Labcorp Genetics (formerly Invitae), Labcorp
Classification: Uncertain significance for Pitt-Hopkins-like syndrome 2. Last evaluated: 2023-07-16. Review status: criteria provided, single submitter. Criteria: Invitae Variant Classification Sherloc (09022015). Collection method: clinical testing. Allele origin: germline.
Comment: This variant is not present in population databases (gnomAD no frequency). This sequence change replaces serine, which is neutral and polar, with glycine, which is neutral and non-polar, at codon 860 of the NRXN1 protein (p.Ser860Gly). This variant has not been reported in the literature in individuals affected with NRXN1-related conditions. In summary, the available evidence is currently insufficient to determine the role of this variant in disease. Therefore, it has been classified as a Variant of Uncertain Significance. Algorithms developed to predict the effect of missense changes on protein structure and function output the following: SIFT: "Not Available"; PolyPhen-2: "Benign"; Align-GVGD: "Not Available". The glycine amino acid residue is found in multiple mammalian species, which suggests that this missense change does not adversely affect protein function.

NM_001330078.2(NRXN1):c.2458A>G (p.Ser820Gly)

Gene: NRXN1 (neurexin 1; minus strand). Cytogenetic location: 2p16.3.
Variant type: single nucleotide variant.
Coding change: c.2458A>G on transcript NM_001330078.2 (MANE Select); coding-DNA position 2458, A replaced by G.
Protein change: p.Ser820Gly; replaces serine 820 with glycine.
Molecular consequence: missense variant.
Genome position (GRCh38, 1-based): chr2:50,506,534, T>C on the plus strand (A>G on the coding strand, the complement: NRXN1 is on the minus strand). VCF-style: chr2-50506534-T-C. GRCh37 (hg19) VCF-style: chr2-50733672-T-C.
Other names: c.2578A>G, p.Ser860Gly (NM_001135659.3); c.2434A>G, p.Ser812Gly (NM_001330077.2, NM_001330082.2); c.2392A>G, p.Ser798Gly (NM_001330083.2, NM_001330084.2); c.2431A>G, p.Ser811Gly (NM_001330085.2); c.2458A>G, p.Ser820Gly (NM_001330086.2, NM_004801.6); c.2347A>G, p.Ser783Gly (NM_001330087.2, NM_001330096.2); c.2377A>G, p.Ser793Gly (NM_001330088.2); c.2455A>G, p.Ser819Gly (NM_001330093.2); and 2 more; short protein forms S793G, S816G, S819G, S820G, S783G, S798G, S803G, S860G.
Identifiers: ClinVar variation 3010833 (VCV003010833.3), dbSNP rs2092232203, ClinGen allele CA346777909.